The following is an entry in ClinVar:

ClinVar aggregate classification (germline): Likely pathogenic (1 of 4 stars; one submission).

Conditions:
Retinitis pigmentosa 1 (RP1). Identifiers: Orphanet 791, MedGen C0220701, MONDO:0008377, OMIM 180100.

Submission:

Dept. of Cytogenetics, ICMR- National Institute of Immunohaematology
Classification: Likely pathogenic for Retinitis pigmentosa 1. Review status: criteria provided, single submitter. Criteria: ACMG Guidelines, 2015. Collection method: research. Allele origin: germline. Inheritance: Autosomal recessive inheritance. Affected: no. Observed: 5 variant alleles, 5 heterozygotes.
Comment: In our study of the Occulocutaneous albinism family, we have identified 6 family members having heterozygous variant in RP1 gene c.4636C>T. However, none of the family members were found to be affected phenotypically.

NM_006269.2(RP1):c.4636C>T (p.Gln1546Ter)

Gene: RP1 (RP1 axonemal microtubule associated; plus strand). Cytogenetic location: 8q12.1.
Variant type: single nucleotide variant.
Coding change: c.4636C>T on transcript NM_006269.2 (MANE Select); coding-DNA position 4636, C replaced by T.
Protein change: p.Gln1546Ter; replaces glutamine 1546 with a stop codon.
Molecular consequence: nonsense. On other transcripts: intron variant (1).
Genome position (GRCh38, 1-based): chr8:54,628,518, C>T. VCF-style: chr8-54628518-C-T. GRCh37 (hg19) VCF-style: chr8-55541078-C-T.
Other names: c.787+6230C>T (NM_001375654.1); short protein forms Q1546*.
Identifiers: ClinVar variation 1315572 (VCV001315572.5), dbSNP rs1806147660, ClinGen allele CA370982847.